The following is an entry in ClinVar:

ClinVar aggregate classification (germline): Uncertain significance (1 of 4 stars; one submission).

Allele frequency attached by ClinVar (database versions not stated): gnomAD 0.00001; TOPMed 0.00001.
gnomAD v4.1: 16 of 1,614,072 alleles (0.00099%); highest among the groups gnomAD compares: Middle Eastern, 0.016%; no homozygotes.

Submission:

CeGaT Center for Human Genetics Tuebingen
Classification: Uncertain significance. Last evaluated: 2023-05-01. Review status: criteria provided, single submitter. Criteria: CeGaT Center For Human Genetics Tuebingen Variant Classification Criteria Version 2. Collection method: clinical testing. Allele origin: germline. Affected: yes. Observed: 1 variant allele.
Comment: HAVCR2: PM2, BP4

NM_032782.5(HAVCR2):c.145G>A (p.Val49Met)

Gene: HAVCR2 (hepatitis A virus cellular receptor 2; minus strand). Cytogenetic location: 5q33.3.
Variant type: single nucleotide variant.
Coding change: c.145G>A on transcript NM_032782.5 (MANE Select); coding-DNA position 145, G replaced by A.
Protein change: p.Val49Met; replaces valine 49 with methionine.
Molecular consequence: missense variant.
Genome position (GRCh38, 1-based): chr5:157,106,876, C>T on the plus strand (G>A on the coding strand, the complement: HAVCR2 is on the minus strand). VCF-style: chr5-157106876-C-T. GRCh37 (hg19) VCF-style: chr5-156533887-C-T.
Other names: short protein forms V49M.
Identifiers: ClinVar variation 2571236 (VCV002571236.27), dbSNP rs768093433, ClinGen allele CA361955425.